The following is an entry in ClinVar:

ClinVar aggregate classification (germline): Uncertain significance (1 of 4 stars; one submission).

Submission:

Labcorp Genetics (formerly Invitae), Labcorp
Classification: Uncertain significance. Last evaluated: 2024-06-11. Review status: criteria provided, single submitter. Criteria: Invitae Variant Classification Sherloc (09022015). Collection method: clinical testing. Allele origin: germline.
Comment: This variant, c.1427_1435del, results in the deletion of 3 amino acid(s) of the LZTS1 protein (p.Gln476_Leu478del), but otherwise preserves the integrity of the reading frame. This variant is not present in population databases (gnomAD no frequency). This variant has not been reported in the literature in individuals affected with LZTS1-related conditions. Experimental studies and prediction algorithms are not available or were not evaluated, and the functional significance of this variant is currently unknown. In summary, the available evidence is currently insufficient to determine the role of this variant in disease. Therefore, it has been classified as a Variant of Uncertain Significance.

NM_021020.5(LZTS1):c.1418AGGAGCTGC[1] (p.473QEL[1])

Gene: LZTS1 (leucine zipper tumor suppressor 1; minus strand). Cytogenetic location: 8p21.3.
Variant type: Microsatellite.
Coding change: c.1418AGGAGCTGC[1] on transcript NM_021020.5 (MANE Select); one copy of the 9-base unit AGGAGCTGC starting at c.1418; the reference has two copies in a row; one copy, 9 bases deleted.
Protein change: p.473QEL[1].
Genome position (GRCh38, 1-based): chr8:20,250,078-20,250,086, GCAGCTCCT deleted on the plus strand (AGGAGCTGC on the coding strand, the reverse complement: LZTS1 is on the minus strand); deleting any 9 consecutive bases within chr8:20,250,078-20,250,097 gives the same sequence; the position shown is the placement nearest the transcript's 3' end. VCF-style (leftmost placement, unchanged base first): chr8-20250077-CGCAGCTCCT-C. GRCh37 (hg19) VCF-style: chr8-20107588-CGCAGCTCCT-C.
Other names: c.1418AGGAGCTGC[1], p.473QEL[1] (NM_001362884.2).
Identifiers: ClinVar variation 3675104 (VCV003675104.2).